The following is an entry in ClinVar:

NM_005591.4(MRE11):c.180T>A (p.Asp60Glu)

Gene: MRE11 (MRE11 double strand break repair nuclease; minus strand). Cytogenetic location: 11q21.
Variant type: single nucleotide variant.
Coding change: c.180T>A on transcript NM_005591.4 (MANE Select); coding-DNA position 180, T replaced by A.
Protein change: p.Asp60Glu; replaces aspartic acid 60 with glutamic acid.
Molecular consequence: missense variant.
Genome position (GRCh38, 1-based): chr11:94,486,058, A>T on the plus strand (T>A on the coding strand, the complement: MRE11 is on the minus strand). VCF-style: chr11-94486058-A-T. GRCh37 (hg19) VCF-style: chr11-94219224-A-T.
Other names: c.180T>A, p.Asp60Glu (NM_001330347.2, NM_005590.4); short protein forms D60E.
Identifiers: ClinVar variation 3224843 (VCV003224843.1), dbSNP rs1213393080, ClinGen allele CA382379867.
Genomic context (GRCh38, chr11:94,486,058, plus strand): 5'-TCTTAATAACTCGAGGCAGGTATGTAATGTTTTCCTTGAGGGCTTATTTTCATGAAAAAG[A>T]TCACCACCTAACAAAATAAAATCCACCTGATCAACAGAAAAAGGTGTTAAAATTAGTATG-3'
Protein context (NP_005582.1, residues 50-70): NEVDFILLGG[Asp60Glu]LFHENKPSRK

ClinVar aggregate classification (germline): Uncertain significance (1 of 4 stars; one submission).

Conditions:
Hereditary cancer-predisposing syndrome. Also called: Neoplastic Syndromes, Hereditary; Tumor predisposition; Hereditary neoplastic syndrome; Hereditary Cancer Syndrome. Identifiers: Orphanet 140162, MedGen C0027672, MeSH D009386, MONDO:0015356.

Submission:

Ambry Genetics
Classification: Uncertain significance for Hereditary cancer-predisposing syndrome. Last evaluated: 2023-11-24. Review status: criteria provided, single submitter. Criteria: Ambry Variant Classification Scheme 2023. Collection method: clinical testing. Allele origin: germline.
Comment: The p.D60E variant (also known as c.180T>A), located in coding exon 3 of the MRE11A gene, results from a T to A substitution at nucleotide position 180. The aspartic acid at codon 60 is replaced by glutamic acid, an amino acid with highly similar properties. This amino acid position is conserved. In addition, this alteration is predicted to be deleterious by in silico analysis. Since supporting evidence is limited at this time, the clinical significance of this alteration remains unclear.